The following is an entry in ClinVar:

ClinVar aggregate classification (germline): Uncertain significance (1 of 4 stars; one submission).

gnomAD v4.1: 7 of 1,609,460 alleles (0.00043%); highest among the groups gnomAD compares: Admixed American, 0.012%; no homozygotes.

Submission:

Labcorp Genetics (formerly Invitae), Labcorp
Classification: Uncertain significance. Last evaluated: 2022-07-15. Review status: criteria provided, single submitter. Criteria: Invitae Variant Classification Sherloc (09022015). Collection method: clinical testing. Allele origin: germline.
Comment: In summary, the available evidence is currently insufficient to determine the role of this variant in disease. Therefore, it has been classified as a Variant of Uncertain Significance. Algorithms developed to predict the effect of missense changes on protein structure and function are either unavailable or do not agree on the potential impact of this missense change (SIFT: "Deleterious"; PolyPhen-2: "Possibly Damaging"; Align-GVGD: "Class C0"). This sequence change replaces valine, which is neutral and non-polar, with methionine, which is neutral and non-polar, at codon 71 of the IMPAD1 protein (p.Val71Met). This variant is present in population databases (rs745537127, gnomAD 0.01%). This variant has not been reported in the literature in individuals affected with IMPAD1-related conditions.

NM_017813.5(BPNT2):c.211G>A (p.Val71Met)

Gene: BPNT2 (3'(2'), 5'-bisphosphate nucleotidase 2; minus strand). Cytogenetic location: 8q12.1.
Variant type: single nucleotide variant.
Coding change: c.211G>A on transcript NM_017813.5 (MANE Select); coding-DNA position 211, G replaced by A.
Protein change: p.Val71Met; replaces valine 71 with methionine.
Molecular consequence: missense variant.
Genome position (GRCh38, 1-based): chr8:56,993,375, C>T on the plus strand (G>A on the coding strand, the complement: BPNT2 is on the minus strand). VCF-style: chr8-56993375-C-T. GRCh37 (hg19) VCF-style: chr8-57905934-C-T.
Other names: short protein forms V71M.
Identifiers: ClinVar variation 2067808 (VCV002067808.4), dbSNP rs745537127, ClinGen allele CA4755978.